The following is an entry in ClinVar:

ClinVar aggregate classification (germline): Uncertain significance. Review status: criteria provided, multiple submitters, no conflicts (2 of 4 stars). 2 submissions from 2 submitters: Uncertain significance (2). Last evaluated 2025-12-29.

Conditions:
Thrombocytopenia, X-linked, with or without dyserythropoietic anemia (XLTDA). Identifiers: Orphanet 67044, MedGen C3550789, MONDO:0010308, OMIM 300367.

Allele frequency attached by ClinVar (database versions not stated): gnomAD exomes below 0.00001; TOPMed 0.00001.
gnomAD v4.1: 2 of 1,211,540 alleles (0.00017%); highest among the groups gnomAD compares: Non-Finnish European, 0.00022%; no homozygotes.

Submissions (2):

Center for Genomic Medicine, Rigshospitalet, Copenhagen University Hospital
Classification: Uncertain significance. Last evaluated: 2025-12-29. Review status: criteria provided, single submitter. Criteria: ACMG Guidelines, 2015. Collection method: clinical testing. Allele origin: germline.
Comment: Classification criteria: PP3_Strong, PM2_Supporting, PM4_Moderate, PM5_Supporting

ISTH-SSC Genomics in Thrombosis and Hemostasis, KU Leuven, Center for Molecular and Vascular Biology
Classification: Uncertain significance for Thrombocytopenia, X-linked, with or without dyserythropoietic anemia. Review status: criteria provided, single submitter. Criteria: ACMG Guidelines, 2015. Collection method: clinical testing. Allele origin: germline. Affected: yes. Observed: 2 hemizygotes. Clinical features observed: Autism, Thrombocytopenia, Impaired platelet aggregation with ristocetin, Macrothrombocytopenia, Impaired platelet aggregation with collagen, CRP and ristocetin, abnormal alpha granules.
Comment: Submitted to GoldVariant by Kathleen Freson, Center for Molecular and Vascular Biology, Leuven, Belgium and Jose María Bastida and José Rivera; Grupo Español de Alteraciones Plaquetarias Congénitas (GEAPC)

Literature cited by the submitters: PubMed 20301538 (cited by Center for Genomic Medicine, Rigshospitalet, Copenhagen University Hospital); PubMed 34060193 (cited by Center for Genomic Medicine, Rigshospitalet, Copenhagen University Hospital); PubMed 38103735 (cited by Center for Genomic Medicine, Rigshospitalet, Copenhagen University Hospital); PubMed 32581362 (cited by Center for Genomic Medicine, Rigshospitalet, Copenhagen University Hospital).

NM_002049.4(GATA1):c.679G>A (p.Ala227Thr)

Gene: GATA1 (GATA binding protein 1; plus strand). Cytogenetic location: Xp11.23.
Variant type: single nucleotide variant.
Coding change: c.679G>A on transcript NM_002049.4 (MANE Select); coding-DNA position 679, G replaced by A.
Protein change: p.Ala227Thr; replaces alanine 227 with threonine.
Molecular consequence: missense variant.
Genome position (GRCh38, 1-based): chrX:48,792,403, G>A. VCF-style: chrX-48792403-G-A. GRCh37 (hg19) VCF-style: chrX-48650810-G-A.
Other names: short protein forms A227T.
Identifiers: ClinVar variation 1705842 (VCV001705842.2), dbSNP rs2062678174, ClinGen allele CA412870820.